The following is an entry in ClinVar:

ClinVar aggregate classification (germline): Uncertain significance (1 of 4 stars; one submission).

Conditions:
Distal myopathy with posterior leg and anterior hand involvement. Also called: WILLIAMS DISTAL MYOPATHY. Identifiers: Orphanet 63273, MedGen C3279722, MONDO:0013550, OMIM 614065.
Hypertrophic cardiomyopathy 26. Also called: Cardiomyopathy, familial hypertrophic, 26. Identifiers: Orphanet 75249, MedGen C4310749, MONDO:0014883, OMIM 617047.
Myofibrillar myopathy 5. Also called: Filaminopathy (type); FILAMINOPATHY, AUTOSOMAL DOMINANT. Identifiers: Orphanet 171445, MedGen C1836050, MONDO:0012289, OMIM 609524.

Submission:

Labcorp Genetics (formerly Invitae), Labcorp
Classification: Uncertain significance for Distal myopathy with posterior leg and anterior hand involvement; Myofibrillar myopathy 5; Hypertrophic cardiomyopathy 26. Last evaluated: 2024-03-27. Review status: criteria provided, single submitter. Criteria: Invitae Variant Classification Sherloc (09022015). Collection method: clinical testing. Allele origin: germline.
Comment: This sequence change replaces proline, which is neutral and non-polar, with histidine, which is basic and polar, at codon 679 of the FLNC protein (p.Pro679His). This variant is not present in population databases (gnomAD no frequency). This variant has not been reported in the literature in individuals affected with FLNC-related conditions. Advanced modeling of protein sequence and biophysical properties (such as structural, functional, and spatial information, amino acid conservation, physicochemical variation, residue mobility, and thermodynamic stability) has been performed at Invitae for this missense variant, however the output from this modeling did not meet the statistical confidence thresholds required to predict the impact of this variant on FLNC protein function. In summary, the available evidence is currently insufficient to determine the role of this variant in disease. Therefore, it has been classified as a Variant of Uncertain Significance.

NM_001458.5(FLNC):c.2036C>A (p.Pro679His)

Gene: FLNC (filamin C; plus strand). Cytogenetic location: 7q32.1.
Variant type: single nucleotide variant.
Coding change: c.2036C>A on transcript NM_001458.5 (MANE Select); coding-DNA position 2036, C replaced by A.
Protein change: p.Pro679His; replaces proline 679 with histidine.
Molecular consequence: missense variant.
Genome position (GRCh38, 1-based): chr7:128,841,482, C>A. VCF-style: chr7-128841482-C-A. GRCh37 (hg19) VCF-style: chr7-128481536-C-A.
Other names: c.2036C>A, p.Pro679His (NM_001127487.2); short protein forms P679H.
Identifiers: ClinVar variation 3755545 (VCV003755545.2).